The following is an entry in ClinVar:

ClinVar aggregate classification (germline): Uncertain significance (1 of 4 stars; one submission).

Allele frequency attached by ClinVar (database versions not stated): gnomAD exomes below 0.00001; gnomAD 0.00002 and 0.00003; TOPMed 0.00002.
gnomAD v4.1: 7 of 1,613,802 alleles (0.00043%); highest among the groups gnomAD compares: African/African-American, 0.004%; no homozygotes.

Submission:

Labcorp Genetics (formerly Invitae), Labcorp
Classification: Uncertain significance. Last evaluated: 2024-08-02. Review status: criteria provided, single submitter. Criteria: Invitae Variant Classification Sherloc (09022015). Collection method: clinical testing. Allele origin: germline.
Comment: This sequence change replaces threonine, which is neutral and polar, with alanine, which is neutral and non-polar, at codon 921 of the PCLO protein (p.Thr921Ala). This variant is present in population databases (no rsID available, gnomAD 0.004%). This variant has not been reported in the literature in individuals affected with PCLO-related conditions. ClinVar contains an entry for this variant (Variation ID: 1416406). Experimental studies and prediction algorithms are not available or were not evaluated, and the functional significance of this variant is currently unknown. In summary, the available evidence is currently insufficient to determine the role of this variant in disease. Therefore, it has been classified as a Variant of Uncertain Significance.

NM_033026.6(PCLO):c.2761A>G (p.Thr921Ala)

Gene: PCLO (piccolo presynaptic cytomatrix protein; minus strand). Cytogenetic location: 7q21.11.
Variant type: single nucleotide variant.
Coding change: c.2761A>G on transcript NM_033026.6 (MANE Select); coding-DNA position 2761, A replaced by G.
Protein change: p.Thr921Ala; replaces threonine 921 with alanine.
Molecular consequence: missense variant.
Genome position (GRCh38, 1-based): chr7:83,134,789, T>C on the plus strand (A>G on the coding strand, the complement: PCLO is on the minus strand). VCF-style: chr7-83134789-T-C. GRCh37 (hg19) VCF-style: chr7-82764105-T-C.
Other names: c.2761A>G, p.Thr921Ala (NM_014510.3); short protein forms T921A.
Identifiers: ClinVar variation 1416406 (VCV001416406.6), dbSNP rs974516918, ClinGen allele CA161172188.